The following is an entry in ClinVar:

ClinVar aggregate classification (germline): Uncertain significance. Review status: criteria provided, multiple submitters, no conflicts (2 of 4 stars). 2 submissions from 2 submitters: Uncertain significance (2). Last evaluated 2026-07-01.

Conditions:
Hereditary cancer-predisposing syndrome. Also called: Tumor predisposition; Hereditary Cancer Syndrome; Hereditary neoplastic syndrome; Neoplastic Syndromes, Hereditary. Identifiers: Orphanet 140162, MedGen C0027672, MeSH D009386, MONDO:0015356.

Allele frequency attached by ClinVar (database versions not stated): gnomAD exomes below 0.00001.

Submissions (2):

Ambry Genetics
Classification: Uncertain significance for Hereditary cancer-predisposing syndrome. Last evaluated: 2026-07-01. Review status: criteria provided, single submitter. Criteria: Ambry Variant Classification Scheme 2023. Collection method: clinical testing. Allele origin: germline.
Comment: The p.L155M variant (also known as c.463C>A), located in coding exon 6 of the POLE gene, results from a C to A substitution at nucleotide position 463. The leucine at codon 155 is replaced by methionine, an amino acid with highly similar properties. This amino acid position is conserved. In addition, this alteration is predicted to be tolerated by in silico analysis. Based on the available evidence, the clinical significance of this variant remains unclear.

Labcorp Genetics (formerly Invitae), Labcorp
Classification: Uncertain significance. Last evaluated: 2020-01-23. Review status: criteria provided, single submitter. Criteria: Invitae Variant Classification Sherloc (09022015). Collection method: clinical testing. Allele origin: germline.
Comment: This sequence change replaces leucine with methionine at codon 155 of the POLE protein (p.Leu155Met). The leucine residue is highly conserved and there is a small physicochemical difference between leucine and methionine. This variant is not present in population databases (ExAC no frequency). This variant has not been reported in the literature in individuals with POLE-related conditions. Algorithms developed to predict the effect of missense changes on protein structure and function are either unavailable or do not agree on the potential impact of this missense change (SIFT: "Deleterious"; PolyPhen-2: "Probably Damaging"; Align-GVGD: "Class C0"). In summary, the available evidence is currently insufficient to determine the role of this variant in disease. Therefore, it has been classified as a Variant of Uncertain Significance.

NM_006231.4(POLE):c.463C>A (p.Leu155Met)

Gene: POLE (DNA polymerase epsilon, catalytic subunit; minus strand). Cytogenetic location: 12q24.33.
Variant type: single nucleotide variant.
Coding change: c.463C>A on transcript NM_006231.4 (MANE Select); coding-DNA position 463, C replaced by A.
Protein change: p.Leu155Met; replaces leucine 155 with methionine.
Molecular consequence: missense variant.
Genome position (GRCh38, 1-based): chr12:132,679,612, G>T on the plus strand (C>A on the coding strand, the complement: POLE is on the minus strand). VCF-style: chr12-132679612-G-T. GRCh37 (hg19) VCF-style: chr12-133256198-G-T.
Other names: c.463C>A (NM_006231.2); short protein forms L155M.
Identifiers: ClinVar variation 1036602 (VCV001036602.9), dbSNP rs1453928328, ClinGen allele CA387367418.